The following is an entry in ClinVar:

NM_007294.4(BRCA1):c.442-714T>C

Gene: BRCA1 (BRCA1 DNA repair associated; minus strand). Cytogenetic location: 17q21.31.
Variant type: single nucleotide variant.
Coding change: c.442-714T>C on transcript NM_007294.4 (MANE Select); 714 bases into the intron before coding-DNA position 442, T replaced by C.
Molecular consequence: intron variant.
Genome position (GRCh38, 1-based): chr17:43,100,594, A>G on the plus strand (T>C on the coding strand, the complement: BRCA1 is on the minus strand). VCF-style: chr17-43100594-A-G. GRCh37 (hg19) VCF-style: chr17-41252611-A-G.
Other names: IVS 7-714T>C; c.442-717T>C (NM_001407861.1, NM_001407635.1, NM_001407614.1 and 65 more transcripts); c.442-714T>C (NM_001408494.1, NM_001408444.1, NM_001408438.1 and 96 more transcripts); c.232-714T>C (NM_001408492.1, NM_001407889.1, NM_001408513.1 and 37 more transcripts); c.301-717T>C (NM_001408468.1, NM_001407842.1, NM_001407749.1 and 35 more transcripts); c.301-714T>C (NM_001408501.1, NM_001408455.1, NM_001407731.1 and 61 more transcripts); c.-218-5734T>C (NM_001407966.1, NM_001407967.1); c.61-714T>C (NM_001407963.1, NM_001407960.1, NM_001407965.1 and 3 more transcripts); and 6 more.
Identifiers: ClinVar variation 209470 (VCV000209470.2), dbSNP rs799925, ClinGen allele CA276440.

ClinVar aggregate classification (germline): Benign (3 of 4 stars; one submission).

Conditions:
Breast-ovarian cancer, familial, susceptibility to, 1 (BROVCA1). Also called: BRCA1 Hereditary Breast and Ovarian Cancer; OVARIAN CANCER, SUSCEPTIBILITY TO. Identifiers: Orphanet 145, MedGen C2676676, MONDO:0011450, OMIM 604370. Disease mechanism: loss of function.

Allele frequency attached by ClinVar (database versions not stated): 1000 Genomes Project 0.11562; gnomAD 0.12229.
gnomAD v4.1: 5,199 of 20,608 alleles (25%); highest among the groups gnomAD compares: African/African-American, 39%; 1,202 homozygotes.

Submission:

Evidence-based Network for the Interpretation of Germline Mutant Alleles (ENIGMA)
Classification: Benign for Breast-ovarian cancer, familial 1. Last evaluated: 2015-01-12. Review status: reviewed by expert panel. Criteria: ENIGMA BRCA1/2 Classification Criteria (2015). Collection method: curation. Allele origin: germline.
Comment: Class 1 not pathogenic based on frequency >1% in an outbred sampleset. Frequency 0.02273 (Asian), 0.3049 (African), 0.02111 (European), derived from 1000 genomes (2012-04-30).